The following is an entry in ClinVar:

ClinVar aggregate classification (germline): Uncertain significance. Review status: criteria provided, multiple submitters, no conflicts (2 of 4 stars). 5 submissions from 5 submitters: Uncertain significance (4). 1 of the submissions does not count toward it. Last evaluated 2024-08-27.

Conditions:
Fanconi anemia complementation group C (FANCC). Also called: FANCONI PANCYTOPENIA, TYPE 3; FACC; FANCC-Related Fanconi Anemia; Fanconi anemia, group C. Identifiers: Orphanet 84, MedGen C3468041, MONDO:0009213, OMIM 227645.
Fanconi anemia (FA). Also called: Fanconi's anemia. Identifiers: Orphanet 84, MedGen C0015625, MeSH D005199, MONDO:0019391.
Hereditary cancer-predisposing syndrome. Also called: Tumor predisposition; Hereditary Cancer Syndrome; Hereditary neoplastic syndrome; Neoplastic Syndromes, Hereditary. Identifiers: Orphanet 140162, MedGen C0027672, MeSH D009386, MONDO:0015356.

Allele frequency attached by ClinVar (database versions not stated): gnomAD exomes 0.00001 and 0.00002; ExAC 0.00002; gnomAD 0.00003; TOPMed 0.00003.
gnomAD v4.1: 20 of 1,609,608 alleles (0.0012%); highest among the groups gnomAD compares: Admixed American, 0.0067%; no homozygotes.

Submissions (5):

Labcorp Genetics (formerly Invitae), Labcorp
Classification: Uncertain significance for Fanconi anemia. Last evaluated: 2024-08-27. Review status: criteria provided, single submitter. Criteria: Invitae Variant Classification Sherloc (09022015). Collection method: clinical testing. Allele origin: germline.
Comment: This sequence change affects codon 174 of the FANCC mRNA. It is a 'silent' change, meaning that it does not change the encoded amino acid sequence of the FANCC protein. This variant also falls at the last nucleotide of exon 6, which is part of the consensus splice site for this exon. This variant is present in population databases (rs755283850, gnomAD 0.006%). This variant has not been reported in the literature in individuals affected with FANCC-related conditions. ClinVar contains an entry for this variant (Variation ID: 409653). An algorithm developed to predict the effect of missense changes on protein structure and function outputs the following: PolyPhen-2: "Benign". The glutamine amino acid residue is found in multiple mammalian species, which suggests that this missense change does not adversely affect protein function. Variants that disrupt the consensus splice site are a relatively common cause of aberrant splicing (PMID: 17576681, 9536098). Algorithms developed to predict the effect of sequence changes on RNA splicing suggest that this variant may disrupt the consensus splice site. In summary, the available evidence is currently insufficient to determine the role of this variant in disease. Therefore, it has been classified as a Variant of Uncertain Significance.

GeneDx
Classification: Uncertain significance. Last evaluated: 2024-06-05. Review status: criteria provided, single submitter. Criteria: GeneDx Variant Classification Process June 2021. Collection method: clinical testing. Allele origin: germline. Affected: yes.
Comment: Not observed at significant frequency in large population cohorts (gnomAD); In silico analysis supports a deleterious effect on splicing; In silico analysis supports that this missense variant does not alter protein structure/function; Has not been previously published as pathogenic or benign to our knowledge; This variant is associated with the following publications: (PMID: Gordon2000[Book])

Ambry Genetics
Classification: Uncertain significance for Hereditary cancer-predisposing syndrome. Last evaluated: 2023-12-12. Review status: criteria provided, single submitter. Criteria: Ambry Variant Classification Scheme 2023. Collection method: clinical testing. Allele origin: germline.
Comment: The p.R174Q variant (also known as c.521G>A), located in coding exon 5 of the FANCC gene, results from a G to A substitution at nucleotide position 521. The amino acid change results in arginine to glutamine at codon 174, an amino acid with highly similar properties. However, this change occurs in the last base pair of coding exon 5, which makes it likely to have some effect on normal mRNA splicing. This nucleotide position is well conserved in available vertebrate species. In silico splice site analysis predicts that this alteration will weaken the native splice donor site. RNA studies have demonstrated that this alteration results in an incomplete splice defect; the clinical impact of this abnormal splicing is unknown at this time (Ambry internal data). This amino acid position is well conserved in available vertebrate species. In addition, as a missense substitution this is predicted to be tolerated by in silico analysis. Since supporting evidence is limited at this time, the clinical significance of this alteration remains unclear.

Fulgent Genetics
Classification: Uncertain significance for Fanconi anemia complementation group C. Last evaluated: 2022-05-24. Review status: criteria provided, single submitter. Criteria: ACMG Guidelines, 2015. Collection method: clinical testing. Allele origin: unknown.

Natera, Inc.
Classification: Uncertain significance for Fanconi anemia. Last evaluated: 2018-07-24. Review status: no assertion criteria provided. Collection method: clinical testing. Allele origin: germline. Not counted in ClinVar's aggregate classification.

Literature cited by the submitters: PubMed 17576681 (cited by Labcorp Genetics (formerly Invitae), Labcorp); PubMed 9536098 (cited by Labcorp Genetics (formerly Invitae), Labcorp).

NM_000136.3(FANCC):c.521G>A (p.Arg174Gln)

Gene: FANCC (FA complementation group C; minus strand). Cytogenetic location: 9q22.32.
Variant type: single nucleotide variant.
Coding change: c.521G>A on transcript NM_000136.3 (MANE Select); coding-DNA position 521, G replaced by A.
Protein change: p.Arg174Gln; replaces arginine 174 with glutamine.
Molecular consequence: missense variant.
Genome position (GRCh38, 1-based): chr9:95,171,079, C>T on the plus strand (G>A on the coding strand, the complement: FANCC is on the minus strand). VCF-style: chr9-95171079-C-T. GRCh37 (hg19) VCF-style: chr9-97933361-C-T.
Other names: c.521G>A, p.Arg174Gln (NM_001243743.2, NM_001243744.2); short protein forms R174Q.
Identifiers: ClinVar variation 409653 (VCV000409653.19), dbSNP rs755283850, ClinGen allele CA5137714.